The following is an entry in ClinVar:

ClinVar aggregate classification (germline): Uncertain significance (1 of 4 stars; one submission).

Conditions:
Cardiovascular phenotype. Identifiers: MedGen CN230736.

Submission:

Ambry Genetics
Classification: Uncertain significance for Cardiovascular phenotype. Last evaluated: 2026-07-05. Review status: criteria provided, single submitter. Criteria: Ambry Variant Classification Scheme 2023. Collection method: clinical testing. Allele origin: germline.
Comment: The p.S123R variant (also known as c.367A>C), located in coding exon 4 of the ENG gene, results from an A to C substitution at nucleotide position 367. The serine at codon 123 is replaced by arginine, an amino acid with dissimilar properties. This amino acid position is conserved. In addition, this alteration is predicted to be tolerated by in silico analysis. Based on the available evidence, the clinical significance of this variant remains unclear.

NM_001114753.3(ENG):c.367A>C (p.Ser123Arg)

Gene: ENG (endoglin; minus strand). Cytogenetic location: 9q34.11.
Variant type: single nucleotide variant.
Coding change: c.367A>C on transcript NM_001114753.3 (MANE Select); coding-DNA position 367, A replaced by C.
Protein change: p.Ser123Arg; replaces serine 123 with arginine.
Molecular consequence: missense variant. On other transcripts: 5 prime UTR variant (1).
Genome position (GRCh38, 1-based): chr9:127,826,666, T>G on the plus strand (A>C on the coding strand, the complement: ENG is on the minus strand). VCF-style: chr9-127826666-T-G. GRCh37 (hg19) VCF-style: chr9-130588945-T-G.
Other names: c.367A>C, p.Ser123Arg (NM_000118.4, NM_001406715.1); c.-180A>C (NM_001278138.2); short protein forms S123R.
Identifiers: ClinVar variation 5035927 (VCV005035927.1).